The following is an entry in ClinVar:

NM_006258.4(PRKG1):c.1188T>G (p.Ser396Arg)

Gene: PRKG1 (protein kinase cGMP-dependent 1; plus strand). Cytogenetic location: 10q21.1.
Variant type: single nucleotide variant.
Coding change: c.1188T>G on transcript NM_006258.4 (MANE Select); coding-DNA position 1188, T replaced by G.
Protein change: p.Ser396Arg; replaces serine 396 with arginine.
Molecular consequence: missense variant. On other transcripts: 5 prime UTR variant (1).
Genome position (GRCh38, 1-based): chr10:52,271,364, T>G. VCF-style: chr10-52271364-T-G. GRCh37 (hg19) VCF-style: chr10-54031124-T-G.
Other names: c.1143T>G, p.Ser381Arg (NM_001098512.3); c.-22T>G (NM_001374781.1); short protein forms S396R, S381R.
Identifiers: ClinVar variation 1744177 (VCV001744177.2), dbSNP rs2132432689, ClinGen allele CA376535191.

ClinVar aggregate classification (germline): Uncertain significance (1 of 4 stars; one submission).

Conditions:
Familial thoracic aortic aneurysm and aortic dissection (TAAD). Also called: Thoracic aortic aneurysms and dissections. Identifiers: Orphanet 91387, MedGen C4707243, MONDO:0019625.

Allele frequency attached by ClinVar (database versions not stated): gnomAD exomes below 0.00001.
gnomAD v4.1: 1 of 1,612,496 alleles (0.000062%); highest among the groups gnomAD compares: Non-Finnish European, 0.000085%; no homozygotes.

Submission:

Ambry Genetics
Classification: Uncertain significance for Familial thoracic aortic aneurysm and aortic dissection. Last evaluated: 2021-06-22. Review status: criteria provided, single submitter. Criteria: Ambry Variant Classification Scheme 2023. Collection method: clinical testing. Allele origin: germline.
Comment: The p.S396R variant (also known as c.1188T>G), located in coding exon 11 of the PRKG1 gene, results from a T to G substitution at nucleotide position 1188. The serine at codon 396 is replaced by arginine, an amino acid with dissimilar properties. This amino acid position is conserved. In addition, this alteration is predicted to be tolerated by in silico analysis. Since supporting evidence is limited at this time, the clinical significance of this alteration remains unclear.